The following is an entry in ClinVar:

ClinVar aggregate classification (germline): Conflicting classifications of pathogenicity. Review status: criteria provided, conflicting classifications (1 of 4 stars). 2 submissions from 2 submitters: Uncertain significance (1); Likely benign (1). Last evaluated 2023-10-28.

Conditions:
Cardiovascular phenotype. Identifiers: MedGen CN230736.
Progressive familial heart block type IB (PFHB1B). Identifiers: Orphanet 871, MedGen C1970298, MONDO:0011474, OMIM 604559.

Allele frequency attached by ClinVar (database versions not stated): gnomAD exomes below 0.00001.
gnomAD v4.1: 1 of 1,614,068 alleles (0.000062%); highest among the groups gnomAD compares: Non-Finnish European, 0.000085%; no homozygotes.

Submissions (2):

Labcorp Genetics (formerly Invitae), Labcorp
Classification: Likely benign for Progressive familial heart block type IB. Last evaluated: 2023-10-28. Review status: criteria provided, single submitter. Criteria: Invitae Variant Classification Sherloc (09022015). Collection method: clinical testing. Allele origin: germline.

Ambry Genetics
Classification: Uncertain significance for Cardiovascular phenotype. Last evaluated: 2021-03-22. Review status: criteria provided, single submitter. Criteria: Ambry Variant Classification Scheme 2023. Collection method: clinical testing. Allele origin: germline.
Comment: The c.859-4G>A intronic variant results from a G to A substitution 4 nucleotides upstream from coding exon 8 in the TRPM4 gene. This nucleotide position is well conserved in available vertebrate species. In silico splice site analysis predicts that this alteration will not have any significant effect on splicing. Since supporting evidence is limited at this time, the clinical significance of this alteration remains unclear.

NM_017636.4(TRPM4):c.859-4G>A

Gene: TRPM4 (transient receptor potential cation channel subfamily M member 4; plus strand). Cytogenetic location: 19q13.33.
Variant type: single nucleotide variant.
Coding change: c.859-4G>A on transcript NM_017636.4 (MANE Select); 4 bases into the intron before coding-DNA position 859, G replaced by A.
Molecular consequence: intron variant.
Genome position (GRCh38, 1-based): chr19:49,171,574, G>A. VCF-style: chr19-49171574-G-A. GRCh37 (hg19) VCF-style: chr19-49674831-G-A.
Other names: c.859-4G>A (NM_001195227.2); c.-695-4G>A (NM_001321282.2); c.514-4G>A (NM_001321281.2); c.337-4G>A (NM_001321283.2); c.10-4G>A (NM_001321285.2).
Identifiers: ClinVar variation 1538223 (VCV001538223.10), dbSNP rs2122833532, ClinGen allele CA2573156649.